The following is an entry in ClinVar:

NM_004304.5(ALK):c.3806G>A (p.Gly1269Glu)

Gene: ALK (ALK receptor tyrosine kinase; minus strand). Cytogenetic location: 2p23.2.
Variant type: single nucleotide variant.
Coding change: c.3806G>A on transcript NM_004304.5 (MANE Select); coding-DNA position 3806, G replaced by A.
Protein change: p.Gly1269Glu; replaces glycine 1269 with glutamic acid.
Molecular consequence: missense variant.
Genome position (GRCh38, 1-based): chr2:29,209,816, C>T on the plus strand (G>A on the coding strand, the complement: ALK is on the minus strand). VCF-style: chr2-29209816-C-T. GRCh37 (hg19) VCF-style: chr2-29432682-C-T.
Other names: c.602G>A, p.Gly201Glu (NM_001353765.2); short protein forms G1269E, G201E.
Identifiers: ClinVar variation 2586674 (VCV002586674.2), dbSNP rs1057519781, ClinGen allele CA346469633.

ClinVar aggregate classification (germline): Uncertain significance (1 of 4 stars; one submission).

Conditions:
Hereditary cancer-predisposing syndrome. Also called: Hereditary neoplastic syndrome; Tumor predisposition; Hereditary Cancer Syndrome; Neoplastic Syndromes, Hereditary. Identifiers: Orphanet 140162, MedGen C0027672, MeSH D009386, MONDO:0015356.

Submission:

Ambry Genetics
Classification: Uncertain significance for Hereditary cancer-predisposing syndrome. Last evaluated: 2023-07-13. Review status: criteria provided, single submitter. Criteria: Ambry Variant Classification Scheme 2023. Collection method: clinical testing. Allele origin: germline.
Comment: The p.G1269E variant (also known as c.3806G>A), located in coding exon 25 of the ALK gene, results from a G to A substitution at nucleotide position 3806. The glycine at codon 1269 is replaced by glutamic acid, an amino acid with similar properties. This amino acid position is highly conserved in available vertebrate species. In addition, this alteration is predicted to be deleterious by in silico analysis. Since supporting evidence is limited at this time, the clinical significance of this alteration remains unclear.